The following is an entry in ClinVar:

NM_000179.3(MSH6):c.1853A>C (p.Gln618Pro)

Gene: MSH6 (mutS homolog 6; plus strand). Cytogenetic location: 2p16.3.
Variant type: single nucleotide variant.
Coding change: c.1853A>C on transcript NM_000179.3 (MANE Select); coding-DNA position 1853, A replaced by C.
Protein change: p.Gln618Pro; replaces glutamine 618 with proline.
Molecular consequence: missense variant.
Genome position (GRCh38, 1-based): chr2:47,799,836, A>C. VCF-style: chr2-47799836-A-C. GRCh37 (hg19) VCF-style: chr2-48026975-A-C.
Other names: c.1853A>C (NM_000179.2); c.1463A>C, p.Gln488Pro (NM_001281492.2); c.947A>C, p.Gln316Pro (NM_001281493.2, NM_001281494.2); short protein forms Q316P, Q618P, Q488P.
Identifiers: ClinVar variation 1043419 (VCV001043419.10), dbSNP rs747576518, ClinGen allele CA346749745.
Genomic context (GRCh38, chr2:47,799,836, plus strand): 5'-AAGGAAATCTCTCAAAGGAAACTAAAACAATTCTAAAGAGTTCATTGTCCTGTTCTCTTC[A>C]GGAAGGTCTGATACCCGGCTCCCAGTTTTGGGATGCATCCAAAACTTTGAGAACTCTCCT-3'
Protein context (NP_000170.1, residues 608-628): ILKSSLSCSL[Gln618Pro]EGLIPGSQFW

ClinVar aggregate classification (germline): Uncertain significance. Review status: criteria provided, multiple submitters, no conflicts (2 of 4 stars). 2 submissions from 2 submitters: Uncertain significance (2). Last evaluated 2026-07-02.

Conditions:
Hereditary cancer-predisposing syndrome. Also called: Tumor predisposition; Hereditary Cancer Syndrome; Hereditary neoplastic syndrome; Neoplastic Syndromes, Hereditary. Identifiers: Orphanet 140162, MedGen C0027672, MeSH D009386, MONDO:0015356.
Hereditary nonpolyposis colorectal neoplasms. Identifiers: MedGen C0009405, MeSH D003123.

gnomAD v4.1: 1 of 1,614,226 alleles (0.000062%); no homozygotes.

Submissions (2):

Ambry Genetics
Classification: Uncertain significance for Hereditary cancer-predisposing syndrome. Last evaluated: 2026-07-02. Review status: criteria provided, single submitter. Criteria: Ambry Variant Classification Scheme 2023. Collection method: clinical testing. Allele origin: germline.
Comment: The p.Q618P variant (also known as c.1853A>C), located in coding exon 4 of the MSH6 gene, results from an A to C substitution at nucleotide position 1853. The glutamine at codon 618 is replaced by proline, an amino acid with similar properties. This amino acid position is conserved. In addition, this alteration is predicted to be deleterious by in silico analysis. Based on the available evidence, the clinical significance of this variant remains unclear.

Labcorp Genetics (formerly Invitae), Labcorp
Classification: Uncertain significance for Hereditary nonpolyposis colorectal neoplasms. Last evaluated: 2025-11-18. Review status: criteria provided, single submitter. Criteria: Invitae Variant Classification Sherloc (09022015). Collection method: clinical testing. Allele origin: germline.
Comment: This sequence change replaces glutamine, which is neutral and polar, with proline, which is neutral and non-polar, at codon 618 of the MSH6 protein (p.Gln618Pro). This variant is not present in population databases (gnomAD no frequency). This variant has not been reported in the literature in individuals affected with MSH6-related conditions. ClinVar contains an entry for this variant (Variation ID: 1043419). Invitae Evidence Modeling of protein sequence and biophysical properties (such as structural, functional, and spatial information, amino acid conservation, physicochemical variation, residue mobility, and thermodynamic stability) indicates that this missense variant is not expected to disrupt MSH6 protein function with a negative predictive value of 95%. In summary, the available evidence is currently insufficient to determine the role of this variant in disease. Therefore, it has been classified as a Variant of Uncertain Significance.